The following is an entry in ClinVar:

ClinVar aggregate classification (germline): Uncertain significance (1 of 4 stars; one submission).

Conditions:
Ataxia-telangiectasia syndrome (AT). Also called: Ataxia-telangiectasia, complementation group D; AT, COMPLEMENTATION GROUP C; Ataxia telangiectasia (A-T); Cerebello-oculocutaneous telangiectasia; Immunodeficiency with ataxia telangiectasia; Ataxia-telangiectasia. Identifiers: Orphanet 100, MedGen C0004135, MONDO:0008840, OMIM 208900.

Submission:

Labcorp Genetics (formerly Invitae), Labcorp
Classification: Uncertain significance for Ataxia-telangiectasia syndrome. Last evaluated: 2019-05-06. Review status: criteria provided, single submitter. Criteria: Invitae Variant Classification Sherloc (09022015). Collection method: clinical testing. Allele origin: germline.
Comment: This variant has not been reported in the literature in individuals with ATM-related conditions. This sequence change replaces isoleucine with asparagine at codon 396 of the ATM protein (p.Ile396Asn). The isoleucine residue is moderately conserved and there is a large physicochemical difference between isoleucine and asparagine. This variant is not present in population databases (ExAC no frequency). Algorithms developed to predict the effect of missense changes on protein structure and function (SIFT, PolyPhen-2, Align-GVGD) all suggest that this variant is likely to be disruptive, but these predictions have not been confirmed by published functional studies and their clinical significance is uncertain. In summary, the available evidence is currently insufficient to determine the role of this variant in disease. Therefore, it has been classified as a Variant of Uncertain Significance.

NM_000051.4(ATM):c.1187_1188delinsAT (p.Ile396Asn)

Gene: ATM (ATM serine/threonine kinase; plus strand). Cytogenetic location: 11q22.3.
Variant type: Indel.
Coding change: c.1187_1188delinsAT on transcript NM_000051.4 (MANE Select); coding-DNA positions 1187 to 1188, TA replaced by AT.
Protein change: p.Ile396Asn; replaces isoleucine 396 with asparagine.
Molecular consequence: missense variant.
Genome position (GRCh38, 1-based): chr11:108,249,054-108,249,055, TA replaced by AT. VCF-style: chr11-108249054-TA-AT. GRCh37 (hg19) VCF-style: chr11-108119781-TA-AT.
Other names: c.1187_1188delinsAT, p.Ile396Asn (NM_001351834.2); short protein forms I396N.
Identifiers: ClinVar variation 839816 (VCV000839816.8), dbSNP rs2079998724, ClinGen allele CA916080435.